The following is an entry in ClinVar:

ClinVar aggregate classification (germline): Uncertain significance (1 of 4 stars; one submission).

Conditions:
Gnathodiaphyseal dysplasia (GDD). Also called: GNATHODIAPHYSEAL SCLEROSIS; OSTEOGENESIS IMPERFECTA WITH UNUSUAL SKELETAL LESIONS. Identifiers: Orphanet 53697, MedGen C1833736, MONDO:0008151, OMIM 166260.
Autosomal recessive limb-girdle muscular dystrophy type 2L (LGMDR12). Also called: Limb-girdle muscular dystrophy, type 2L; MUSCULAR DYSTROPHY, LIMB-GIRDLE, AUTOSOMAL RECESSIVE 12; Limb-Girdle Muscular Dystrophy R12 Anoctamin-5-Related (LGMD-R12). Identifiers: Orphanet 206549, MedGen C1969785, MONDO:0012652, OMIM 611307.

Submission:

Labcorp Genetics (formerly Invitae), Labcorp
Classification: Uncertain significance for Autosomal recessive limb-girdle muscular dystrophy type 2L; Gnathodiaphyseal dysplasia. Last evaluated: 2021-06-30. Review status: criteria provided, single submitter. Criteria: Invitae Variant Classification Sherloc (09022015). Collection method: clinical testing. Allele origin: germline.
Comment: This sequence change replaces proline with alanine at codon 209 of the ANO5 protein (p.Pro209Ala). The proline residue is moderately conserved and there is a small physicochemical difference between proline and alanine. This variant is not present in population databases (ExAC no frequency). This variant has not been reported in the literature in individuals affected with ANO5-related conditions. Advanced modeling of protein sequence and biophysical properties (such as structural, functional, and spatial information, amino acid conservation, physicochemical variation, residue mobility, and thermodynamic stability) performed at Invitae indicates that this missense variant is not expected to disrupt ANO5 protein function. In summary, the available evidence is currently insufficient to determine the role of this variant in disease. Therefore, it has been classified as a Variant of Uncertain Significance.

NM_213599.3(ANO5):c.625C>G (p.Pro209Ala)

Gene: ANO5 (anoctamin 5; plus strand). Cytogenetic location: 11p14.3.
Variant type: single nucleotide variant.
Coding change: c.625C>G on transcript NM_213599.3 (MANE Select); coding-DNA position 625, C replaced by G.
Protein change: p.Pro209Ala; replaces proline 209 with alanine.
Molecular consequence: missense variant.
Genome position (GRCh38, 1-based): chr11:22,227,563, C>G. VCF-style: chr11-22227563-C-G. GRCh37 (hg19) VCF-style: chr11-22249109-C-G.
Other names: c.622C>G, p.Pro208Ala (NM_001142649.2); short protein forms P209A, P208A.
Identifiers: ClinVar variation 1475844 (VCV001475844.8), dbSNP rs2133612986, ClinGen allele CA379920055.